The following is an entry in ClinVar:

ClinVar aggregate classification (germline): Likely benign. Review status: criteria provided, multiple submitters, no conflicts (2 of 4 stars). 2 submissions from 2 submitters: Likely benign (2). Last evaluated 2025-03-31.

Conditions:
Ullrich congenital muscular dystrophy 2 (UCMD2). Identifiers: Orphanet 75840, MedGen C4225314, MONDO:0014654, OMIM 616470.
Bethlem myopathy 2 (BTHLM2). Identifiers: Orphanet 536516, Orphanet 610, MedGen C4225313, MONDO:0034022, OMIM 616471.

Allele frequency attached by ClinVar (database versions not stated): TOPMed below 0.00001; ExAC 0.00002.
gnomAD v4.1: 29 of 1,613,518 alleles (0.0018%); highest among the groups gnomAD compares: South Asian, 0.0077%; no homozygotes.

Submissions (2):

Mayo Clinic Laboratories, Mayo Clinic
Classification: Likely benign. Last evaluated: 2025-03-31. Review status: criteria provided, single submitter. Criteria: ACMG Guidelines, 2015. Collection method: clinical testing. Allele origin: germline. Observed: 1 variant allele.
Comment: BP4, BP7

Labcorp Genetics (formerly Invitae), Labcorp
Classification: Likely benign for Bethlem myopathy 2; Ullrich congenital muscular dystrophy 2. Last evaluated: 2023-07-25. Review status: criteria provided, single submitter. Criteria: Invitae Variant Classification Sherloc (09022015). Collection method: clinical testing. Allele origin: germline.

NM_004370.6(COL12A1):c.7389C>T (p.Val2463=)

Gene: COL12A1 (collagen type XII alpha 1 chain; minus strand). Cytogenetic location: 6q13.
Variant type: single nucleotide variant.
Coding change: c.7389C>T on transcript NM_004370.6 (MANE Select); coding-DNA position 7389, C replaced by T.
Protein change: p.Val2463=; no amino-acid change (valine 2463 retained).
Molecular consequence: synonymous variant.
Genome position (GRCh38, 1-based): chr6:75,117,512, G>A on the plus strand (C>T on the coding strand, the complement: COL12A1 is on the minus strand). VCF-style: chr6-75117512-G-A. GRCh37 (hg19) VCF-style: chr6-75827228-G-A.
Other names: p.Val2463=; c.3897C>T, p.Val1299= (NM_080645.3).
Identifiers: ClinVar variation 2151460 (VCV002151460.5), dbSNP rs545442226, ClinGen allele CA3892567.
Genomic context (GRCh38, chr6:75,117,512, plus strand): 5'-CACAATGAACACGTGCCGTTCACTTGGTTTGCTGGCAATGTTGGCAAGCTCATTGTAGTC[G>A]ACATCAGCCACACCAACTACAAAGACACTGAACCCTGCAAAGTAGCATTTATAGAATGAA-3'
Protein context (NP_004361.3, residues 2453-2473): FSVFVVGVAD[Val2463=]DYNELANIAS